The following is an entry in ClinVar:

NM_000393.5(COL5A2):c.1793G>A (p.Arg598His)

Gene: COL5A2 (collagen type V alpha 2 chain; minus strand). Cytogenetic location: 2q32.2.
Variant type: single nucleotide variant.
Coding change: c.1793G>A on transcript NM_000393.5 (MANE Select); coding-DNA position 1793, G replaced by A.
Protein change: p.Arg598His; replaces arginine 598 with histidine.
Molecular consequence: missense variant.
Genome position (GRCh38, 1-based): chr2:189,063,248, C>T on the plus strand (G>A on the coding strand, the complement: COL5A2 is on the minus strand). VCF-style: chr2-189063248-C-T. GRCh37 (hg19) VCF-style: chr2-189927974-C-T.
Other names: short protein forms R598H.
Identifiers: ClinVar variation 449663 (VCV000449663.8), dbSNP rs529317104, ClinGen allele CA2022564.
Genomic context (GRCh38, chr2:189,063,248, plus strand): 5'-CCTGGAAGGCCCATGCTCCCGGGCTGCCCTCTGATTCCTATGGAGCCTGGAGGACCTGGA[C>T]GGCCATCTTCCCCTGGCGCACCCTATAGAATTGACAGGAGCCATGTAAGTTTCATGTAAG-3'
Protein context (NP_000384.2, residues 588-608): GPLGAPGEDG[Arg598His]PGPPGSIGIR

ClinVar aggregate classification (germline): Conflicting classifications of pathogenicity. Review status: criteria provided, conflicting classifications (1 of 4 stars). 3 submissions from 3 submitters: Uncertain significance (2); Likely benign (1). Last evaluated 2026-08-11.

Conditions:
Ehlers-Danlos syndrome, classic type, 1 (EDSCL1). Also called: EDS I; Ehlers-Danlos Syndrome, Classic Type, COL5A1-Related; EHLERS-DANLOS SYNDROME, GRAVIS TYPE; EHLERS-DANLOS SYNDROME, SEVERE CLASSIC TYPE; Ehlers-Danlos syndrome, type 1. Identifiers: MedGen C0268335, MONDO:0019567, OMIM 130000.
Familial thoracic aortic aneurysm and aortic dissection (TAAD). Also called: Thoracic aortic aneurysms and dissections. Identifiers: Orphanet 91387, MedGen C4707243, MONDO:0019625.

Allele frequency attached by ClinVar (database versions not stated): gnomAD exomes 0.00003 and 0.00002; gnomAD 0.00007 and 0.00008; TOPMed 0.00010; 1000 Genomes Project 0.00020; ExAC 0.00004; 1000 Genomes Project 30x 0.00047.
gnomAD v4.1: 35 of 1,614,080 alleles (0.0022%); highest among the groups gnomAD compares: African/African-American, 0.031%; no homozygotes.

Submissions (3):

GeneDx
Classification: Uncertain significance. Last evaluated: 2026-08-11. Review status: criteria provided, single submitter. Criteria: GeneDx Variant Classification Process June 2021. Collection method: clinical testing. Allele origin: germline.
Comment: In silico analysis supports that this missense variant has a deleterious effect on protein structure/function; Has not been previously published as pathogenic or benign to our knowledge

Labcorp Genetics (formerly Invitae), Labcorp
Classification: Likely benign for Ehlers-Danlos syndrome, classic type, 1. Last evaluated: 2025-06-22. Review status: criteria provided, single submitter. Criteria: Invitae Variant Classification Sherloc (09022015). Collection method: clinical testing. Allele origin: germline.

Ambry Genetics
Classification: Uncertain significance for Familial thoracic aortic aneurysm and aortic dissection. Last evaluated: 2021-05-13. Review status: criteria provided, single submitter. Criteria: Ambry Variant Classification Scheme 2023. Collection method: clinical testing. Allele origin: germline.
Comment: The p.R598H variant (also known as c.1793G>A), located in coding exon 27 of the COL5A2 gene, results from a G to A substitution at nucleotide position 1793. The arginine at codon 598 is replaced by histidine, an amino acid with highly similar properties. This amino acid position is highly conserved in available vertebrate species. In addition, the in silico prediction for this alteration is inconclusive. Since supporting evidence is limited at this time, the clinical significance of this alteration remains unclear.